The following is an entry in ClinVar:

ClinVar aggregate classification (germline): Uncertain significance. Review status: criteria provided, multiple submitters, no conflicts (2 of 4 stars). 3 submissions from 3 submitters: Uncertain significance (2). 1 of the submissions does not count toward it. Last evaluated 2021-11-27.

Conditions:
INPP5E-related disorder. Also called: INPP5E-related condition.
Inborn genetic diseases. Identifiers: MedGen C0950123, MeSH D030342.
Joubert syndrome. Also called: CEREBELLOPARENCHYMAL DISORDER IV; JOUBERT-BOLTSHAUSER SYNDROME; Familial aplasia of the vermis. Identifiers: Orphanet 475, MedGen C5979921, MONDO:0018772.

Allele frequency attached by ClinVar (database versions not stated): gnomAD 0.00001 and 0.00002; TOPMed 0.00001; ExAC 0.00002; gnomAD exomes 0.00002.
gnomAD v4.1: 57 of 1,612,376 alleles (0.0035%); highest among the groups gnomAD compares: Non-Finnish European, 0.0043%; no homozygotes.

Submissions (3):

Labcorp Genetics (formerly Invitae), Labcorp
Classification: Uncertain significance for Joubert syndrome. Last evaluated: 2021-11-27. Review status: criteria provided, single submitter. Criteria: Invitae Variant Classification Sherloc (09022015). Collection method: clinical testing. Allele origin: germline.
Comment: This sequence change replaces arginine, which is basic and polar, with histidine, which is basic and polar, at codon 468 of the INPP5E protein (p.Arg468His). This variant is present in population databases (rs112089228, gnomAD 0.003%). This variant has not been reported in the literature in individuals affected with INPP5E-related conditions. Advanced modeling of protein sequence and biophysical properties (such as structural, functional, and spatial information, amino acid conservation, physicochemical variation, residue mobility, and thermodynamic stability) performed at Invitae indicates that this missense variant is expected to disrupt INPP5E protein function. In summary, the available evidence is currently insufficient to determine the role of this variant in disease. Therefore, it has been classified as a Variant of Uncertain Significance.

Ambry Genetics
Classification: Uncertain significance for Inborn genetic diseases. Last evaluated: 2021-07-16. Review status: criteria provided, single submitter. Criteria: Ambry Variant Classification Scheme 2023. Collection method: clinical testing. Allele origin: germline.
Comment: The c.1403G>A (p.R468H) alteration is located in exon 7 (coding exon 7) of the INPP5E gene. This alteration results from a G to A substitution at nucleotide position 1403, causing the arginine (R) at amino acid position 468 to be replaced by a histidine (H). Based on data from the Genome Aggregation Database (gnomAD) database, the INPP5E c.1403G>A alteration was observed in 0.002% (4/248,836) of total alleles studied, with a frequency of 0.003% (1/34,510) in the Latino subpopulation. This amino acid position is highly conserved in available vertebrate species. The in silico prediction for the p.R468H alteration is inconclusive. Based on insufficient or conflicting evidence, the clinical significance of this alteration remains unclear.

PreventionGenetics, part of Exact Sciences
Classification: Uncertain significance for INPP5E-related condition. Last evaluated: 2024-08-20. Review status: no assertion criteria provided. Collection method: clinical testing. Allele origin: germline. Not counted in ClinVar's aggregate classification.
Comment: The INPP5E c.1403G>A variant is predicted to result in the amino acid substitution p.Arg468His. To our knowledge, this variant has not been reported in the literature. This variant is reported in 0.0029% of alleles in individuals of Latino descent in gnomAD. An alternate nucleotide change affecting the same amino acid (p.Arg468Cys) has been reported along with another INPP5E variant in siblings with rod cone degeneration (Family I, Figure 1, Table 1, Sangermano et al. 2021. PubMed ID: 34188062). At this time, the clinical significance of the c.1403G>A (p.Arg468His) variant is uncertain due to the absence of conclusive functional and genetic evidence.

NM_019892.6(INPP5E):c.1403G>A (p.Arg468His)

Gene: INPP5E (inositol polyphosphate-5-phosphatase E; minus strand). Cytogenetic location: 9q34.3.
Variant type: single nucleotide variant.
Coding change: c.1403G>A on transcript NM_019892.6 (MANE Select); coding-DNA position 1403, G replaced by A.
Protein change: p.Arg468His; replaces arginine 468 with histidine.
Molecular consequence: missense variant.
Genome position (GRCh38, 1-based): chr9:136,431,970, C>T on the plus strand (G>A on the coding strand, the complement: INPP5E is on the minus strand). VCF-style: chr9-136431970-C-T. GRCh37 (hg19) VCF-style: chr9-139326422-C-T.
Other names: c.1403G>A (NM_019892.5, NM_019892.4); c.1400G>A, p.Arg467His (NM_001318502.2); short protein forms R467H, R468H.
Identifiers: ClinVar variation 1374046 (VCV001374046.6), dbSNP rs112089228, ClinGen allele CA5336802.